The following is an entry in ClinVar:

NM_022051.3(EGLN1):c.187G>A (p.Gly63Ser)

Gene: EGLN1 (egl-9 family hypoxia inducible factor 1; minus strand). Cytogenetic location: 1q42.2.
Variant type: single nucleotide variant.
Coding change: c.187G>A on transcript NM_022051.3 (MANE Select); coding-DNA position 187, G replaced by A.
Protein change: p.Gly63Ser; replaces glycine 63 with serine.
Molecular consequence: missense variant.
Genome position (GRCh38, 1-based): chr1:231,421,702, C>T on the plus strand (G>A on the coding strand, the complement: EGLN1 is on the minus strand). VCF-style: chr1-231421702-C-T. GRCh37 (hg19) VCF-style: chr1-231557448-C-T.
Other names: c.187G>A, p.Gly63Ser (NM_001377260.1, NM_001377261.1); short protein forms G63S.
Identifiers: ClinVar variation 1781865 (VCV001781865.5), dbSNP rs2527361429, ClinGen allele CA345238710.

ClinVar aggregate classification (germline): Uncertain significance. Review status: criteria provided, multiple submitters, no conflicts (2 of 4 stars). 2 submissions from 2 submitters: Uncertain significance (2). Last evaluated 2023-09-17.

Conditions:
Erythrocytosis, familial, 3 (ECYT3). Identifiers: Orphanet 247511, MedGen C1853286, MONDO:0012353, OMIM 609820.

Submissions (2):

Labcorp Genetics (formerly Invitae), Labcorp
Classification: Uncertain significance for Erythrocytosis, familial, 3. Last evaluated: 2023-09-17. Review status: criteria provided, single submitter. Criteria: Invitae Variant Classification Sherloc (09022015). Collection method: clinical testing. Allele origin: germline.
Comment: This variant has not been reported in the literature in individuals affected with EGLN1-related conditions. ClinVar contains an entry for this variant (Variation ID: 1781865). An algorithm developed to predict the effect of missense changes on protein structure and function (PolyPhen-2) suggests that this variant is likely to be tolerated. In summary, the available evidence is currently insufficient to determine the role of this variant in disease. Therefore, it has been classified as a Variant of Uncertain Significance. This variant is not present in population databases (gnomAD no frequency). This sequence change replaces glycine, which is neutral and non-polar, with serine, which is neutral and polar, at codon 63 of the EGLN1 protein (p.Gly63Ser).

Ambry Genetics
Classification: Uncertain significance. Last evaluated: 2021-09-04. Review status: criteria provided, single submitter. Criteria: Ambry Variant Classification Scheme 2023. Collection method: clinical testing. Allele origin: germline.
Comment: The p.G63S variant (also known as c.187G>A), located in coding exon 1 of the EGLN1 gene, results from a G to A substitution at nucleotide position 187. The glycine at codon 63 is replaced by serine, an amino acid with similar properties. This amino acid position is conserved. In addition, this alteration is predicted to be tolerated by in silico analysis. Since supporting evidence is limited at this time, the clinical significance of this alteration remains unclear.